The following is an entry in ClinVar:

NM_001276270.2(MBD4):c.431C>A (p.Thr144Asn)

Gene: MBD4 (methyl-CpG binding domain 4, DNA glycosylase; minus strand). Cytogenetic location: 3q21.3.
Variant type: single nucleotide variant.
Coding change: c.431C>A on transcript NM_001276270.2 (MANE Select); coding-DNA position 431, C replaced by A.
Protein change: p.Thr144Asn; replaces threonine 144 with asparagine.
Molecular consequence: missense variant. On other transcripts: intron variant (1).
Genome position (GRCh38, 1-based): chr3:129,437,213, G>T on the plus strand (C>A on the coding strand, the complement: MBD4 is on the minus strand). VCF-style: chr3-129437213-G-T. GRCh37 (hg19) VCF-style: chr3-129156056-G-T.
Other names: c.431C>A, p.Thr144Asn (NM_001276271.2, NM_001276272.2, NM_003925.3); c.247+595C>A (NM_001276273.2); short protein forms T144N.
Identifiers: ClinVar variation 3870919 (VCV003870919.1).

ClinVar aggregate classification (germline): Uncertain significance (1 of 4 stars; one submission).

Conditions:
Inborn genetic diseases. Identifiers: MedGen C0950123, MeSH D030342.

Submission:

Ambry Genetics
Classification: Uncertain significance for Inborn genetic diseases. Last evaluated: 2025-01-31. Review status: criteria provided, single submitter. Criteria: Ambry Variant Classification Scheme 2023. Collection method: clinical testing. Allele origin: germline.
Comment: The p.T144N variant (also known as c.431C>A), located in coding exon 3 of the MBD4 gene, results from a C to A substitution at nucleotide position 431. The threonine at codon 144 is replaced by asparagine, an amino acid with similar properties. This amino acid position is conserved. In addition, the in silico prediction for this alteration is inconclusive. Based on the available evidence, the clinical significance of this variant remains unclear.